The following is an entry in ClinVar:

ClinVar aggregate classification (germline): Likely benign. Review status: criteria provided, multiple submitters, no conflicts (2 of 4 stars). 2 submissions from 2 submitters: Likely benign (2). Last evaluated 2026-03-01.

Allele frequency attached by ClinVar (database versions not stated): TOPMed 0.00014; 1000 Genomes Project 30x 0.00016; 1000 Genomes Project 0.00020; ESP Exome Variant Server 0.00038; gnomAD exomes 0.00001 and 0.00004; ExAC 0.00006; gnomAD 0.00012 and 0.00014.
gnomAD v4.1: 37 of 1,614,170 alleles (0.0023%); highest among the groups gnomAD compares: African/African-American, 0.047%; no homozygotes.

Submissions (2):

CeGaT Center for Human Genetics Tuebingen
Classification: Likely benign. Last evaluated: 2026-03-01. Review status: criteria provided, single submitter. Criteria: CeGaT Center For Human Genetics Tuebingen Variant Classification Criteria Version 2. Collection method: clinical testing. Allele origin: germline. Affected: yes. Observed: 1 variant allele.
Comment: SHANK2: BP4, BP7

Labcorp Genetics (formerly Invitae), Labcorp
Classification: Likely benign. Last evaluated: 2018-07-23. Review status: criteria provided, single submitter. Criteria: Invitae Variant Classification Sherloc (09022015). Collection method: clinical testing. Allele origin: germline.

NM_012309.5(SHANK2):c.2877C>T (p.Tyr959=)

Gene: SHANK2 (SH3 and multiple ankyrin repeat domains 2; minus strand). Cytogenetic location: 11q13.3.
Variant type: single nucleotide variant.
Coding change: c.2877C>T on transcript NM_012309.5 (MANE Select); coding-DNA position 2877, C replaced by T.
Protein change: p.Tyr959=; no amino-acid change (tyrosine 959 retained).
Molecular consequence: synonymous variant.
Genome position (GRCh38, 1-based): chr11:70,487,416, G>A on the plus strand (C>T on the coding strand, the complement: SHANK2 is on the minus strand). VCF-style: chr11-70487416-G-A. GRCh37 (hg19) VCF-style: chr11-70333521-G-A.
Other names: c.1740C>T, p.Tyr580= (NM_001379226.1); c.1113C>T, p.Tyr371= (NM_133266.5).
Identifiers: ClinVar variation 754459 (VCV000754459.7), dbSNP rs140016261, ClinGen allele CA6161221.